The following is an entry in ClinVar:

ClinVar aggregate classification (germline): Conflicting classifications of pathogenicity. Review status: criteria provided, conflicting classifications (1 of 4 stars). 10 submissions from 10 submitters: Uncertain significance (6); Likely benign (3). 1 of the submissions does not count toward it. Last evaluated 2026-08-17.

Conditions:
Fanconi anemia (FA). Also called: Fanconi's anemia. Identifiers: Orphanet 84, MedGen C0015625, MeSH D005199, MONDO:0019391.
Fanconi anemia complementation group A (FANCA). Also called: FANCA-Related Fanconi Anemia; Fanconi anemia, group A. Identifiers: Orphanet 84, MedGen C3469521, MONDO:0009215, OMIM 227650.

Allele frequency attached by ClinVar (database versions not stated): 1000 Genomes Project 30x 0.00016; gnomAD exomes 0.00017 and 0.00024; 1000 Genomes Project 0.00020; gnomAD 0.00025 and 0.00026; TOPMed 0.00026; ESP Exome Variant Server 0.00031; ExAC 0.00035.
gnomAD v4.1: 296 of 1,614,032 alleles (0.018%); highest among the groups gnomAD compares: Middle Eastern, 0.082%; no homozygotes.

Submissions (10):

Myriad Genetics, Inc.
Classification: Uncertain significance for Fanconi anemia complementation group A. Last evaluated: 2026-08-17. Review status: criteria provided, single submitter. Criteria: Myriad Autosomal Dominant, Autosomal Recessive and X-Linked Classification Criteria (2023). Collection method: clinical testing. Allele origin: unknown.
Comment: NM_000135.2(FANCA):c.2390C>T(A797V) is a missense variant classified as a variant of uncertain significance in the context of Fanconi anemia complementation group A. A797V has not been observed in cases with relevant disease. Relevant functional assessments of this variant are not available in the literature. A797V has been observed in referenced population frequency databases. In summary, there is insufficient evidence to classify NM_000135.2(FANCA):c.2390C>T(A797V) as pathogenic or benign. Please note: this variant was assessed in the context of healthy population screening.

Labcorp Genetics (formerly Invitae), Labcorp
Classification: Likely benign for Fanconi anemia. Last evaluated: 2026-01-31. Review status: criteria provided, single submitter. Criteria: Invitae Variant Classification Sherloc (09022015). Collection method: clinical testing. Allele origin: germline.

Quest Diagnostics Nichols Institute San Juan Capistrano
Classification: Uncertain significance. Last evaluated: 2025-05-08. Review status: criteria provided, single submitter. Criteria: Quest Diagnostics criteria. Collection method: clinical testing. Allele origin: unknown.
Comment: The FANCA c.2390C>T (p.Ala797Val) variant has been reported in the published literature in individuals with head and/or neck cancer (PMID: 28678401 (2017)), pancreatic adenocarcinoma (PMID: 39256447 (2024)), as well as epithelial ovarian cancer and reportedly unaffected individuals (PMID: 32546565 (2021)). The frequency of this variant in the general population (Genome Aggregation Database) is higher than would generally be expected for pathogenic variants in this gene. Analysis of this variant using bioinformatics tools for the prediction of the effect of amino acid changes on protein structure and function yielded predictions that this variant is benign. Based on the available information, we are unable to determine the clinical significance of this variant.

GeneDx
Classification: Uncertain significance. Last evaluated: 2024-11-14. Review status: criteria provided, single submitter. Criteria: GeneDx Variant Classification Process June 2021. Collection method: clinical testing. Allele origin: germline.
Comment: In silico analysis indicates that this missense variant does not alter protein structure/function; Reported in a patient with oropharynx carcinoma who also harbors an additional FANCA variant; however, detailed clinical information was not provided (Chandrasekharappa et al., 2017); This variant is associated with the following publications: (PMID: Zahra2020[research], 28678401, 32546565)

Blueprint Genetics
Classification: Likely benign. Last evaluated: 2024-11-11. Review status: criteria provided, single submitter. Criteria: ACMG Guidelines, 2015. Collection method: clinical testing. Allele origin: germline.

ARUP Laboratories, Molecular Genetics and Genomics, ARUP Laboratories
Classification: Likely benign for Fanconi anemia complementation group A. Last evaluated: 2024-02-07. Review status: criteria provided, single submitter. Criteria: ARUP Molecular Germline Variant Investigation Process 2024. Collection method: clinical testing. Allele origin: germline.

St. Jude Molecular Pathology, St. Jude Children's Research Hospital
Classification: Uncertain significance for Fanconi anemia complementation group A. Last evaluated: 2023-12-01. Review status: criteria provided, single submitter. Criteria: St. Jude Assertion Criteria 2020. Collection method: clinical testing. Allele origin: germline.
Comment: The FANCA c.2390C>T (p.Ala797Val) missense change has a maximum subpopulation frequency of 0.036% in gnomAD v2.1.1. The in silico tool REVEL predicts a benign effect on protein function, but to our knowledge this prediction has not been confirmed by functional studies. To our knowledge, this variant has not been reported in individuals with Fanconi anemia. In summary, the evidence currently available is insufficient to determine the clinical significance of this variant. It has therefore been classified as of uncertain significance.

Sema4
Classification: Uncertain significance for Fanconi anemia. Last evaluated: 2021-11-05. Review status: criteria provided, single submitter. Criteria: Sema4 Curation Guidelines. Collection method: curation. Allele origin: germline.
Comment: The FANCA c.2390C>T (p.A797V) has been reported as heterozygous in an individual with head/neck squamous cell carcinoma (PMID: 28678401).It was also seen in both ovarian cancer cases and controls (PMID: 32546565). It was observed in 46/128766 chromosomes of the Non-Finnish European (NFE) subpopulation, with 1 homozygotes, in the large and broad cohorts of the Genome Aggregation Database (PMID: 32461654). The variant has been reported in ClinVar (Variation ID: 526333). Functional studies have not been performed, and in silico predictions of the variant's effect on protein function are inconclusive. The evidence is insufficient to meet ACMG/AMP criteria for classifying the variant as benign or pathogenic. Thus, the clinical significance of this variant is currently uncertain.

Genetic Services Laboratory, University of Chicago
Classification: Uncertain significance. Last evaluated: 2019-11-22. Review status: criteria provided, single submitter. Criteria: ACMG Guidelines, 2015. Collection method: clinical testing. Allele origin: germline. Affected: no.

Natera, Inc.
Classification: Uncertain significance for Fanconi anemia, group A. Last evaluated: 2020-09-16. Review status: no assertion criteria provided. Collection method: clinical testing. Allele origin: germline. Not counted in ClinVar's aggregate classification.

Literature cited by the submitters: PubMed 28678401 (cited by Quest Diagnostics Nichols Institute San Juan Capistrano and Sema4); PubMed 32546565 (cited by Quest Diagnostics Nichols Institute San Juan Capistrano and Sema4); PubMed 39256447 (cited by Quest Diagnostics Nichols Institute San Juan Capistrano).

NM_000135.4(FANCA):c.2390C>T (p.Ala797Val)

Gene: FANCA (FA complementation group A; minus strand). Cytogenetic location: 16q24.3.
Variant type: single nucleotide variant.
Coding change: c.2390C>T on transcript NM_000135.4 (MANE Select); coding-DNA position 2390, C replaced by T.
Protein change: p.Ala797Val; replaces alanine 797 with valine.
Molecular consequence: missense variant.
Genome position (GRCh38, 1-based): chr16:89,769,951, G>A on the plus strand (C>T on the coding strand, the complement: FANCA is on the minus strand). VCF-style: chr16-89769951-G-A. GRCh37 (hg19) VCF-style: chr16-89836359-G-A.
Other names: c.2390C>T (LRG_495t1, NM_000135.3); c.2390C>T, p.Ala797Val (NM_001286167.3); short protein forms A797V.
Identifiers: ClinVar variation 526333 (VCV000526333.29), dbSNP rs138248569, ClinGen allele CA8251738.